The following is an entry in ClinVar:

ClinVar aggregate classification (germline): Conflicting classifications of pathogenicity. Review status: criteria provided, conflicting classifications (1 of 4 stars). 4 submissions from 4 submitters: Uncertain significance (3); Likely benign (1). Last evaluated 2026-02-23.

Conditions:
ALPK3-related disorder. Also called: ALPK3-related condition.
Cardiovascular phenotype. Identifiers: MedGen CN230736.

Allele frequency attached by ClinVar (database versions not stated): gnomAD exomes 0.00003 and 0.00006; gnomAD 0.00005; TOPMed 0.00005; ExAC 0.00008.
gnomAD v4.1: 48 of 1,613,870 alleles (0.003%); highest among the groups gnomAD compares: Non-Finnish European, 0.004%; no homozygotes.

Submissions (4):

PreventionGenetics, part of Exact Sciences
Classification: Uncertain significance for ALPK3-related condition. Last evaluated: 2026-02-23. Review status: criteria provided, single submitter. Criteria: ACMG Guidelines, 2015. Collection method: clinical testing. Allele origin: germline.
Comment: The ALPK3 c.3083C>T variant is predicted to result in the amino acid substitution p.Pro1028Leu. To our knowledge, this variant has not been reported in the literature. This variant is reported in 0.012% of alleles in individuals of European (Non-Finnish) descent in gnomAD. At this time, the clinical significance of this variant is uncertain due to the absence of conclusive functional and genetic evidence.

Labcorp Genetics (formerly Invitae), Labcorp
Classification: Uncertain significance. Last evaluated: 2026-01-27. Review status: criteria provided, single submitter. Criteria: Invitae Variant Classification Sherloc (09022015). Collection method: clinical testing. Allele origin: germline.
Comment: This sequence change replaces proline, which is neutral and non-polar, with leucine, which is neutral and non-polar, at codon 1028 of the ALPK3 protein (p.Pro1028Leu). This variant is present in population databases (rs775305251, gnomAD 0.01%). This variant has not been reported in the literature in individuals affected with ALPK3-related conditions. ClinVar contains an entry for this variant (Variation ID: 1507758). Invitae Evidence Modeling of protein sequence and biophysical properties (such as structural, functional, and spatial information, amino acid conservation, physicochemical variation, residue mobility, and thermodynamic stability) indicates that this missense variant is not expected to disrupt ALPK3 protein function with a negative predictive value of 80%. In summary, the available evidence is currently insufficient to determine the role of this variant in disease. Therefore, it has been classified as a Variant of Uncertain Significance.

Ambry Genetics
Classification: Likely benign for Cardiovascular phenotype. Last evaluated: 2025-06-17. Review status: criteria provided, single submitter. Criteria: Ambry Variant Classification Scheme 2023. Collection method: clinical testing. Allele origin: germline.

GeneDx
Classification: Uncertain significance. Last evaluated: 2024-06-12. Review status: criteria provided, single submitter. Criteria: GeneDx Variant Classification Process June 2021. Collection method: clinical testing. Allele origin: germline. Affected: yes.
Comment: Has not been previously published as pathogenic or benign to our knowledge; In silico analysis indicates that this missense variant does not alter protein structure/function

NM_020778.5(ALPK3):c.2477C>T (p.Pro826Leu)

Gene: ALPK3 (alpha kinase 3; plus strand). Cytogenetic location: 15q25.3.
Variant type: single nucleotide variant.
Coding change: c.2477C>T on transcript NM_020778.5 (MANE Select); coding-DNA position 2477, C replaced by T.
Protein change: p.Pro826Leu; replaces proline 826 with leucine.
Molecular consequence: missense variant.
Genome position (GRCh38, 1-based): chr15:84,857,215, C>T. VCF-style: chr15-84857215-C-T. GRCh37 (hg19) VCF-style: chr15-85400446-C-T.
Other names: c.3083C>T (NM_020778.4); short protein forms P826L.
Identifiers: ClinVar variation 1507758 (VCV001507758.10), dbSNP rs775305251, ClinGen allele CA7709422.
Genomic context (GRCh38, chr15:84,857,215, plus strand): 5'-ATGAGGGGAGTGTGGAGCAGGTGGGAGGAGAGAGATGCCGAGGGCCACAGTCATCAGGCC[C>T]AGTCGAGGCCAAGCAGGAGGACAGCCCGTTCCAGTGCCCCAAGGAGGAGCGGCCAGGGGG-3'
Protein context (NP_065829.4, residues 816-836): ERCRGPQSSG[Pro826Leu]VEAKQEDSPF